The following is an entry in ClinVar:

ClinVar aggregate classification (germline): Uncertain significance (1 of 4 stars; one submission).

Conditions:
Fanconi anemia (FA). Also called: Fanconi's anemia. Identifiers: Orphanet 84, MedGen C0015625, MeSH D005199, MONDO:0019391.

Allele frequency attached by ClinVar (database versions not stated): TOPMed below 0.00001.

Submission:

Labcorp Genetics (formerly Invitae), Labcorp
Classification: Uncertain significance for Fanconi anemia. Last evaluated: 2023-11-09. Review status: criteria provided, single submitter. Criteria: Invitae Variant Classification Sherloc (09022015). Collection method: clinical testing. Allele origin: germline.
Comment: This sequence change replaces histidine, which is basic and polar, with arginine, which is basic and polar, at codon 1054 of the FANCI protein (p.His1054Arg). This variant is not present in population databases (gnomAD no frequency). This variant has not been reported in the literature in individuals affected with FANCI-related conditions. An algorithm developed to predict the effect of missense changes on protein structure and function (PolyPhen-2) suggests that this variant is likely to be disruptive. In summary, the available evidence is currently insufficient to determine the role of this variant in disease. Therefore, it has been classified as a Variant of Uncertain Significance.

NM_001113378.2(FANCI):c.3161A>G (p.His1054Arg)

Gene: FANCI (FA complementation group I; plus strand). Cytogenetic location: 15q26.1.
Variant type: single nucleotide variant.
Coding change: c.3161A>G on transcript NM_001113378.2 (MANE Select); coding-DNA position 3161, A replaced by G.
Protein change: p.His1054Arg; replaces histidine 1054 with arginine.
Molecular consequence: missense variant.
Genome position (GRCh38, 1-based): chr15:89,305,217, A>G. VCF-style: chr15-89305217-A-G. GRCh37 (hg19) VCF-style: chr15-89848448-A-G.
Other names: c.2882A>G, p.His961Arg (NM_001376910.1); c.3161A>G, p.His1054Arg (NM_001376911.1); c.2981A>G, p.His994Arg (NM_018193.3); short protein forms H994R, H1054R, H961R.
Identifiers: ClinVar variation 2724445 (VCV002724445.3), dbSNP rs2054670581, ClinGen allele CA393739459.
Genomic context (GRCh38, chr15:89,305,217, plus strand): 5'-GCCTGCATGTTTCGTATAAGAGTCCTGTCATTCTGCTGCGTGACTTGTCCCAGGATATCC[A>G]CGGGCATCTGGGAGATATAGACCAGGTACTATAATGAGCCTTCAGTACAATACCCTGTGT-3'
Protein context (NP_001106849.1, residues 1044-1064): ILLRDLSQDI[His1054Arg]GHLGDIDQDV